The following is an entry in ClinVar:

ClinVar aggregate classification (germline): Benign/Likely benign. Review status: criteria provided, multiple submitters, no conflicts (2 of 4 stars). 2 submissions from 2 submitters: Benign (1); Likely benign (1). Last evaluated 2024-02-01.

Conditions:
Ehlers-Danlos syndrome, classic type, 1 (EDSCL1). Also called: Ehlers-Danlos syndrome, type 1; EHLERS-DANLOS SYNDROME, GRAVIS TYPE; EHLERS-DANLOS SYNDROME, SEVERE CLASSIC TYPE; Ehlers-Danlos Syndrome, Classic Type, COL5A1-Related; EDS I. Identifiers: MedGen C0268335, MONDO:0019567, OMIM 130000.

Allele frequency attached by ClinVar (database versions not stated): ExAC 0.00002.
gnomAD v4.1: 6 of 1,613,854 alleles (0.00037%); highest among the groups gnomAD compares: South Asian, 0.0055%; no homozygotes.

Submissions (2):

CeGaT Center for Human Genetics Tuebingen
Classification: Likely benign. Last evaluated: 2024-02-01. Review status: criteria provided, single submitter. Criteria: CeGaT Center For Human Genetics Tuebingen Variant Classification Criteria Version 2. Collection method: clinical testing. Allele origin: germline. Affected: yes. Observed: 1 variant allele.
Comment: COL5A1: BP4, BP7

Labcorp Genetics (formerly Invitae), Labcorp
Classification: Benign for Ehlers-Danlos syndrome, classic type, 1. Last evaluated: 2023-01-13. Review status: criteria provided, single submitter. Criteria: Invitae Variant Classification Sherloc (09022015). Collection method: clinical testing. Allele origin: germline.

NM_000093.5(COL5A1):c.3228T>C (p.Asn1076=)

Gene: COL5A1 (collagen type V alpha 1 chain; plus strand). Cytogenetic location: 9q34.3.
Variant type: single nucleotide variant.
Coding change: c.3228T>C on transcript NM_000093.5 (MANE Select); coding-DNA position 3228, T replaced by C.
Protein change: p.Asn1076=; no amino-acid change (asparagine 1076 retained).
Molecular consequence: synonymous variant.
Genome position (GRCh38, 1-based): chr9:134,805,184, T>C. VCF-style: chr9-134805184-T-C. GRCh37 (hg19) VCF-style: chr9-137697030-T-C.
Other names: c.3228T>C, p.Asn1076= (NM_001278074.1).
Identifiers: ClinVar variation 2895641 (VCV002895641.25), dbSNP rs769227916, ClinGen allele CA5319807.